The following is an entry in ClinVar:

ClinVar aggregate classification (germline): Likely pathogenic (1 of 4 stars; one submission).

Conditions:
Alpha thalassemia-X-linked intellectual disability syndrome (ATRX). Also called: X-linked alpha-thalassemia-mental retardation syndrome; ALPHA-THALASSEMIA/IMPAIRED INTELLECTUAL DEVELOPMENT SYNDROME, X-LINKED; ALPHA-THALASSEMIA/MENTAL RETARDATION SYNDROME, X-LINKED; ATR, NONDELETION TYPE; ATR-X syndrome; Alpha thalassemia mental retardation syndrome, nondeletion type, X-linked. Identifiers: Orphanet 847, MedGen C1845055, MONDO:0010519, OMIM 301040.

Submission:

Labcorp Genetics (formerly Invitae), Labcorp
Classification: Likely pathogenic for Alpha thalassemia-X-linked intellectual disability syndrome. Last evaluated: 2022-03-03. Review status: criteria provided, single submitter. Criteria: Invitae Variant Classification Sherloc (09022015). Collection method: clinical testing. Allele origin: germline.
Comment: This sequence change replaces isoleucine, which is neutral and non-polar, with threonine, which is neutral and polar, at codon 2248 of the ATRX protein (p.Ile2248Thr). This variant is not present in population databases (gnomAD no frequency). In summary, the currently available evidence indicates that the variant is pathogenic, but additional data are needed to prove that conclusively. Therefore, this variant has been classified as Likely Pathogenic. Advanced modeling of protein sequence and biophysical properties (such as structural, functional, and spatial information, amino acid conservation, physicochemical variation, residue mobility, and thermodynamic stability) performed at Invitae indicates that this missense variant is expected to disrupt ATRX protein function. This missense change has been observed in individuals with alpha-thalassemia X-linked intellectual disability syndrome (PMID: 18409179; Invitae).

Literature cited by the submitters: PubMed 18409179.

NM_000489.6(ATRX):c.6743T>C (p.Ile2248Thr)

Gene: ATRX (ATRX chromatin remodeler; minus strand). Cytogenetic location: Xq21.1.
Variant type: single nucleotide variant.
Coding change: c.6743T>C on transcript NM_000489.6 (MANE Select); coding-DNA position 6743, T replaced by C.
Protein change: p.Ile2248Thr; replaces isoleucine 2248 with threonine.
Molecular consequence: missense variant.
Genome position (GRCh38, 1-based): chrX:77,523,358, A>G on the plus strand (T>C on the coding strand, the complement: ATRX is on the minus strand). VCF-style: chrX-77523358-A-G. GRCh37 (hg19) VCF-style: chrX-76778836-A-G.
Other names: c.6629T>C, p.Ile2210Thr (NM_138270.5); short protein forms I2210T, I2248T.
Identifiers: ClinVar variation 1525935 (VCV001525935.6), dbSNP rs2147761759, ClinGen allele CA413710117.
Genomic context (GRCh38, chrX:77,523,358, plus strand): 5'-TCAGTCAACTCTTCTTCTTCTTTGTGGTCCAAAAGAGAATCATGTTCATGGTATCCTACA[A>G]TGTGTTCTTTATGTATCTGAAGGAGCTCTGCAAGTATGGTATCCTGTTTAGAGGGGTTGA-3'
Protein context (NP_000480.3, residues 2238-2258): AELLQIHKEH[Ile2248Thr]VGYHEHDSLL